The following is an entry in ClinVar:

ClinVar aggregate classification (germline): Uncertain significance (1 of 4 stars; one submission).

Allele frequency attached by ClinVar (database versions not stated): gnomAD exomes below 0.00001; gnomAD 0.00001.
gnomAD v4.1: 5 of 1,614,036 alleles (0.00031%); highest among the groups gnomAD compares: South Asian, 0.0055%; no homozygotes.

Submission:

GeneDx
Classification: Uncertain significance. Last evaluated: 2019-08-09. Review status: criteria provided, single submitter. Criteria: GeneDx Variant Classification Process June 2021. Collection method: clinical testing. Allele origin: germline. Affected: yes.
Comment: Not observed in large population cohorts (Lek et al., 2016); In silico analysis, which includes protein predictors and evolutionary conservation, supports a deleterious effect; Has not been previously published as pathogenic or benign to our knowledge

NM_003793.4(CTSF):c.710G>A (p.Ser237Asn)

Gene: CTSF (cathepsin F; minus strand). Cytogenetic location: 11q13.2.
Variant type: single nucleotide variant.
Coding change: c.710G>A on transcript NM_003793.4 (MANE Select); coding-DNA position 710, G replaced by A.
Protein change: p.Ser237Asn; replaces serine 237 with asparagine.
Molecular consequence: missense variant.
Genome position (GRCh38, 1-based): chr11:66,566,302, C>T on the plus strand (G>A on the coding strand, the complement: CTSF is on the minus strand). VCF-style: chr11-66566302-C-T. GRCh37 (hg19) VCF-style: chr11-66333773-C-T.
Other names: short protein forms S237N.
Identifiers: ClinVar variation 1307662 (VCV001307662.2), dbSNP rs1857931066, ClinGen allele CA381463046.